The following is an entry in ClinVar:

ClinVar aggregate classification (germline): Conflicting classifications of pathogenicity. Review status: criteria provided, conflicting classifications (1 of 4 stars). 2 submissions from 2 submitters: Uncertain significance (1); Likely benign (1). Last evaluated 2026-01-09.

Conditions:
Inborn genetic diseases. Identifiers: MedGen C0950123, MeSH D030342.

Allele frequency attached by ClinVar (database versions not stated): gnomAD exomes 0.00001 and 0.00004; ExAC 0.00002; gnomAD 0.00005; ESP Exome Variant Server 0.00008; TOPMed 0.00010.
gnomAD v4.1: 70 of 1,614,024 alleles (0.0043%); highest among the groups gnomAD compares: African/African-American, 0.015%; no homozygotes.

Submissions (2):

Labcorp Genetics (formerly Invitae), Labcorp
Classification: Uncertain significance. Last evaluated: 2026-01-09. Review status: criteria provided, single submitter. Criteria: Invitae Variant Classification Sherloc (09022015). Collection method: clinical testing. Allele origin: germline.
Comment: This sequence change replaces threonine, which is neutral and polar, with methionine, which is neutral and non-polar, at codon 757 of the KCNQ5 protein (p.Thr757Met). This variant is present in population databases (rs373955161, gnomAD 0.01%). This variant has not been reported in the literature in individuals affected with KCNQ5-related conditions. ClinVar contains an entry for this variant (Variation ID: 1403138). Invitae Evidence Modeling of protein sequence and biophysical properties (such as structural, functional, and spatial information, amino acid conservation, physicochemical variation, residue mobility, and thermodynamic stability) indicates that this missense variant is not expected to disrupt KCNQ5 protein function with a negative predictive value of 95%. In summary, the available evidence is currently insufficient to determine the role of this variant in disease. Therefore, it has been classified as a Variant of Uncertain Significance.

Ambry Genetics
Classification: Likely benign for Inborn genetic diseases. Last evaluated: 2022-08-10. Review status: criteria provided, single submitter. Criteria: Ambry Variant Classification Scheme 2023. Collection method: clinical testing. Allele origin: germline.

NM_019842.4(KCNQ5):c.2213C>T (p.Thr738Met)

Gene: KCNQ5 (potassium voltage-gated channel subfamily Q member 5; plus strand). Cytogenetic location: 6q13.
Variant type: single nucleotide variant.
Coding change: c.2213C>T on transcript NM_019842.4 (MANE Select); coding-DNA position 2213, C replaced by T.
Protein change: p.Thr738Met; replaces threonine 738 with methionine.
Molecular consequence: missense variant.
Genome position (GRCh38, 1-based): chr6:73,194,828, C>T. VCF-style: chr6-73194828-C-T. GRCh37 (hg19) VCF-style: chr6-73904551-C-T.
Other names: c.2270C>T (NM_001160133.1); c.2186C>T, p.Thr729Met (NM_001160130.2); c.2243C>T, p.Thr748Met (NM_001160132.2); c.2270C>T, p.Thr757Met (NM_001160133.2); c.1883C>T, p.Thr628Met (NM_001160134.2); short protein forms T738M, T748M, T628M, T729M, T757M.
Identifiers: ClinVar variation 1403138 (VCV001403138.7), dbSNP rs373955161, ClinGen allele CA3887225.
Genomic context (GRCh38, chr6:73,194,828, plus strand): 5'-TTAGTCAAAGCGATGGCTCAGCAGTGGCAGCCACCAACACCATTGCAAACCAAATAAATA[C>T]GGCACCCAAGCCAGCAGCCCCAACAACTTTACAGATCCCACCTCCTCTCCCAGCCATCAA-3'
Protein context (NP_062816.2, residues 728-748): ATNTIANQIN[Thr738Met]APKPAAPTTL